The following is an entry in ClinVar:

ClinVar aggregate classification (germline): Uncertain significance. Review status: criteria provided, multiple submitters, no conflicts (2 of 4 stars). 6 submissions from 6 submitters: Uncertain significance (6). Last evaluated 2025-03-25.

Conditions:
Familial thoracic aortic aneurysm and aortic dissection (TAAD). Also called: Thoracic aortic aneurysms and dissections. Identifiers: Orphanet 91387, MedGen C4707243, MONDO:0019625.
Aortic aneurysm, familial thoracic 4 (AAT4). Also called: AORTIC ANEURYSM/AORTIC DISSECTION AND PATENT DUCTUS ARTERIOSUS. Identifiers: MedGen C1851504, MONDO:0007568, OMIM 132900.

Allele frequency attached by ClinVar (database versions not stated): gnomAD 0.00001; ExAC 0.00002; gnomAD exomes 0.00002 and 0.00007; TOPMed 0.00002; ESP Exome Variant Server 0.00008.

Submissions (6):

Ambry Genetics
Classification: Uncertain significance for Familial thoracic aortic aneurysm and aortic dissection. Last evaluated: 2025-03-25. Review status: criteria provided, single submitter. Criteria: Ambry Variant Classification Scheme 2023. Collection method: clinical testing. Allele origin: germline.
Comment: The p.A1699T variant (also known as c.5095G>A), located in coding exon 35 of the MYH11 gene, results from a G to A substitution at nucleotide position 5095. The alanine at codon 1699 is replaced by threonine, an amino acid with similar properties. This amino acid position is conserved. In addition, the in silico prediction for this alteration is inconclusive. Since supporting evidence is limited at this time, the clinical significance of this alteration remains unclear.

GeneDx
Classification: Uncertain significance. Last evaluated: 2024-10-02. Review status: criteria provided, single submitter. Criteria: GeneDx Variant Classification Process June 2021. Collection method: clinical testing. Allele origin: germline. Affected: yes.
Comment: In silico analysis indicates that this missense variant does not alter protein structure/function; Has not been previously published as pathogenic or benign to our knowledge

All of Us Research Program, National Institutes of Health
Classification: Uncertain significance for Familial thoracic aortic aneurysm and aortic dissection. Last evaluated: 2024-08-06. Review status: criteria provided, single submitter. Criteria: ACMG Guidelines, 2015. Collection method: clinical testing. Allele origin: germline. Inheritance: Autosomal dominant inheritance. Observed: 5 variant alleles, 5 heterozygotes.
Comment: This missense variant replaces alanine with threonine at codon 1706 of the MYH11 protein. Computational prediction suggests that this variant may not impact protein structure and function (internally defined REVEL score threshold <= 0.5, PMID: 27666373). To our knowledge, functional studies have not been reported for this variant. This variant has not been reported in individuals affected with cardiovascular disorders in the literature. This variant has been identified in 6/249518 chromosomes in the general population by the Genome Aggregation Database (gnomAD). The available evidence is insufficient to determine the role of this variant in disease conclusively. Therefore, this variant is classified as a Variant of Uncertain Significance.

This study involves interpretation of variants in research participants for the purpose of population health screening. Participant phenotype was not available at the time of variant classification. Additional details can be found in publication PMID: 35346344, PMCID: PMC8962531

Women's Health and Genetics/Laboratory Corporation of America, LabCorp
Classification: Uncertain significance. Last evaluated: 2024-04-29. Review status: criteria provided, single submitter. Criteria: LabCorp Variant Classification Summary - May 2015. Collection method: clinical testing. Allele origin: germline.
Comment: Variant summary: MYH11 c.5116G>A (p.Ala1706Thr) results in a non-conservative amino acid change located in the Myosin tail (IPR002928) of the encoded protein sequence. Three of five in-silico tools predict a benign effect of the variant on protein function. The variant allele was found at a frequency of 2.4e-05 in 249518 control chromosomes (gnomAD). The available data on variant occurrences in the general population are insufficient to allow any conclusion about variant significance. To our knowledge, no occurrence of c.5116G>A in individuals affected with Aortopathy and no experimental evidence demonstrating its impact on protein function have been reported. ClinVar contains an entry for this variant (Variation ID: 465746). Based on the evidence outlined above, the variant was classified as uncertain significance.

Color Diagnostics, LLC DBA Color Health
Classification: Uncertain significance for Familial thoracic aortic aneurysm and aortic dissection. Last evaluated: 2024-03-06. Review status: criteria provided, single submitter. Criteria: ACMG Guidelines, 2015. Collection method: clinical testing. Allele origin: germline.
Comment: This missense variant replaces alanine with threonine at codon 1706 of the MYH11 protein. Computational prediction suggests that this variant may not impact protein structure and function (internally defined REVEL score threshold <= 0.5, PMID: 27666373). To our knowledge, functional studies have not been reported for this variant. This variant has not been reported in individuals affected with MYH11-related disorders in the literature. This variant has been identified in 6/249518 chromosomes in the general population by the Genome Aggregation Database (gnomAD). The available evidence is insufficient to determine the role of this variant in disease conclusively. Therefore, this variant is classified as a Variant of Uncertain Significance.

Labcorp Genetics (formerly Invitae), Labcorp
Classification: Uncertain significance for Aortic aneurysm, familial thoracic 4. Last evaluated: 2022-09-01. Review status: criteria provided, single submitter. Criteria: Invitae Variant Classification Sherloc (09022015). Collection method: clinical testing. Allele origin: germline.
Comment: This sequence change replaces alanine, which is neutral and non-polar, with threonine, which is neutral and polar, at codon 1706 of the MYH11 protein (p.Ala1706Thr). This variant is present in population databases (rs200410021, gnomAD 0.005%). This variant has not been reported in the literature in individuals affected with MYH11-related conditions. ClinVar contains an entry for this variant (Variation ID: 465746). Algorithms developed to predict the effect of missense changes on protein structure and function (SIFT, PolyPhen-2, Align-GVGD) all suggest that this variant is likely to be disruptive. In summary, the available evidence is currently insufficient to determine the role of this variant in disease. Therefore, it has been classified as a Variant of Uncertain Significance.

NM_002474.3(MYH11):c.5095G>A (p.Ala1699Thr)

Genes: MYH11 (myosin heavy chain 11; minus strand), NDE1 (nudE neurodevelopment protein 1; plus strand). Cytogenetic location: 16p13.11.
Variant type: single nucleotide variant.
Coding change: c.5095G>A on transcript NM_002474.3 (MANE Select); coding-DNA position 5095, G replaced by A.
Protein change: p.Ala1699Thr; replaces alanine 1699 with threonine.
Molecular consequence: missense variant. On other transcripts: intron variant (2).
Genome position (GRCh38, 1-based): chr16:15,719,296, C>T on the plus strand (G>A on the coding strand, the complement: MYH11 is on the minus strand). VCF-style: chr16-15719296-C-T. GRCh37 (hg19) VCF-style: chr16-15813153-C-T.
Other names: c.5116G>A, p.Ala1706Thr (NM_001040113.2, NM_001040114.2); c.5095G>A, p.Ala1699Thr (NM_022844.3); c.948-4895C>T (NM_001143979.2, NM_017668.3); short protein forms A1706T, A1699T.
Identifiers: ClinVar variation 465746 (VCV000465746.20), dbSNP rs200410021, ClinGen allele CA7921422.
Genomic context (GRCh38, chr16:15,719,296, plus strand): 5'-TGGCCAGCTCCTCTGCCAGTTCCTCCTTCTCGAGGTCCGCTTGTTTGCGAGCCCTCTCAG[C>T]GGCGGCGAGGTCCTAGGTGGGAGGGAGGAAGGCTGTTGTCTGCCAGGGAAAGGCCAAGCC-3'
Protein context (NP_002465.1, residues 1689-1709): LMQLQEDLAA[Ala1699Thr]ERARKQADLE